The following is an entry in ClinVar:

ClinVar aggregate classification (germline): Pathogenic (1 of 4 stars; one submission).

Submission:

Labcorp Genetics (formerly Invitae), Labcorp
Classification: Pathogenic. Last evaluated: 2023-07-29. Review status: criteria provided, single submitter. Criteria: Invitae Variant Classification Sherloc (09022015). Collection method: clinical testing. Allele origin: germline.
Comment: For these reasons, this variant has been classified as Pathogenic. This variant has not been reported in the literature in individuals affected with GALNT3-related conditions. This variant is not present in population databases (gnomAD no frequency). This sequence change creates a premature translational stop signal (p.Gln404Hisfs*28) in the GALNT3 gene. It is expected to result in an absent or disrupted protein product. Loss-of-function variants in GALNT3 are known to be pathogenic (PMID: 15133511, 20358599).

Literature cited by the submitters: PubMed 15133511; PubMed 20358599.

NM_004482.4(GALNT3):c.1212del (p.Gln404fs)

Gene: GALNT3 (polypeptide N-acetylgalactosaminyltransferase 3; minus strand). Cytogenetic location: 2q24.3.
Variant type: Deletion.
Coding change: c.1212del on transcript NM_004482.4 (MANE Select); coding-DNA position 1212, one base deleted (G; older notation c.1212delG).
Protein change: p.Gln404fs; shifts the reading frame from glutamine 404.
Molecular consequence: frameshift variant.
Genome position (GRCh38, 1-based): chr2:165,757,227, C deleted on the plus strand (G on the coding strand, the reverse complement: GALNT3 is on the minus strand). VCF-style (leftmost placement, unchanged base first): chr2-165757226-AC-A. GRCh37 (hg19) VCF-style: chr2-166613736-AC-A.
Other names: short protein forms Q404fs.
Identifiers: ClinVar variation 2748204 (VCV002748204.3), dbSNP rs2467867016, ClinGen allele CA2697551243.